The following is an entry in ClinVar:

ClinVar aggregate classification (germline): Uncertain significance (1 of 4 stars; one submission).

Conditions:
Familial thoracic aortic aneurysm and aortic dissection (TAAD). Also called: Thoracic aortic aneurysms and dissections. Identifiers: Orphanet 91387, MedGen C4707243, MONDO:0019625.

Allele frequency attached by ClinVar (database versions not stated): ExAC 0.00001.
gnomAD v4.1: 1 of 1,586,482 alleles (0.000063%); highest among the groups gnomAD compares: South Asian, 0.0011%; no homozygotes.

Submission:

Ambry Genetics
Classification: Uncertain significance for Familial thoracic aortic aneurysm and aortic dissection. Last evaluated: 2023-11-08. Review status: criteria provided, single submitter. Criteria: Ambry Variant Classification Scheme 2023. Collection method: clinical testing. Allele origin: germline.
Comment: The p.T1379R variant (also known as c.4136C>G), located in coding exon 25 of the NOTCH1 gene, results from a C to G substitution at nucleotide position 4136. The threonine at codon 1379 is replaced by arginine, an amino acid with similar properties. This amino acid position is conserved. In addition, the in silico prediction for this alteration is inconclusive. Since supporting evidence is limited at this time, the clinical significance of this alteration remains unclear.

NM_017617.5(NOTCH1):c.4136C>G (p.Thr1379Arg)

Gene: NOTCH1 (notch receptor 1; minus strand). Cytogenetic location: 9q34.3.
Variant type: single nucleotide variant.
Coding change: c.4136C>G on transcript NM_017617.5 (MANE Select); coding-DNA position 4136, C replaced by G.
Protein change: p.Thr1379Arg; replaces threonine 1379 with arginine.
Molecular consequence: missense variant.
Genome position (GRCh38, 1-based): chr9:136,505,760, G>C on the plus strand (C>G on the coding strand, the complement: NOTCH1 is on the minus strand). VCF-style: chr9-136505760-G-C. GRCh37 (hg19) VCF-style: chr9-139400212-G-C.
Other names: short protein forms T1379R.
Identifiers: ClinVar variation 3226964 (VCV003226964.1), dbSNP rs764123906, ClinGen allele CA5340680.